The following is an entry in ClinVar:

ClinVar aggregate classification (germline): Conflicting classifications of pathogenicity. Review status: criteria provided, conflicting classifications (1 of 4 stars). 4 submissions from 4 submitters: Uncertain significance (1); Likely benign (2). 1 of the submissions does not count toward it. Last evaluated 2026-01-08.

Conditions:
FREM1-related disorder. Also called: FREM1-related condition; FREM1-Related Disorders.

Allele frequency attached by ClinVar (database versions not stated): gnomAD exomes 0.00015 and 0.00043; ExAC 0.00052; gnomAD 0.00156 and 0.00160; TOPMed 0.00179; ESP Exome Variant Server 0.00193; 1000 Genomes Project 0.00220; 1000 Genomes Project 30x 0.00234.
gnomAD v4.1: 506 of 1,612,388 alleles (0.031%); highest among the groups gnomAD compares: African/African-American, 0.54%; 2 homozygotes.

Submissions (4):

Labcorp Genetics (formerly Invitae), Labcorp
Classification: Likely benign. Last evaluated: 2026-01-08. Review status: criteria provided, single submitter. Criteria: Invitae Variant Classification Sherloc (09022015). Collection method: clinical testing. Allele origin: germline.

GeneDx
Classification: Uncertain significance. Last evaluated: 2024-09-04. Review status: criteria provided, single submitter. Criteria: GeneDx Variant Classification Process June 2021. Collection method: clinical testing. Allele origin: germline. Affected: yes.
Comment: In silico analysis indicates that this missense variant does not alter protein structure/function; Has not been previously published as pathogenic or benign to our knowledge

Eurofins Ntd Llc (ga)
Classification: Likely benign. Last evaluated: 2015-02-23. Review status: criteria provided, single submitter. Criteria: EGL Classification Definitions 2015. Collection method: clinical testing. Allele origin: germline. Observed: 2 variant alleles, 2 heterozygotes.

PreventionGenetics, part of Exact Sciences
Classification: Likely benign for FREM1-related condition. Last evaluated: 2019-06-18. Review status: no assertion criteria provided. Collection method: clinical testing. Allele origin: germline. Not counted in ClinVar's aggregate classification.
Comment: This variant is classified as likely benign based on ACMG/AMP sequence variant interpretation guidelines (Richards et al. 2015 PMID: 25741868, with internal and published modifications).

NM_001379081.2(FREM1):c.3485A>G (p.Gln1162Arg)

Gene: FREM1 (FRAS1 related extracellular matrix 1; minus strand). Cytogenetic location: 9p22.3.
Variant type: single nucleotide variant.
Coding change: c.3485A>G on transcript NM_001379081.2 (MANE Select); coding-DNA position 3485, A replaced by G.
Protein change: p.Gln1162Arg; replaces glutamine 1162 with arginine.
Molecular consequence: missense variant. On other transcripts: non-coding transcript variant (2).
Genome position (GRCh38, 1-based): chr9:14,801,861, T>C on the plus strand (A>G on the coding strand, the complement: FREM1 is on the minus strand). VCF-style: chr9-14801861-T-C. GRCh37 (hg19) VCF-style: chr9-14801859-T-C.
Other names: c.3485A>G, p.Gln1162Arg (NM_144966.7); short protein forms Q1162R.
Identifiers: ClinVar variation 195628 (VCV000195628.16), dbSNP rs113555227, ClinGen allele CA201863.